The following is an entry in ClinVar:

NM_177438.3(DICER1):c.3811C>T (p.Leu1271Phe)

Gene: DICER1 (dicer 1, ribonuclease III; minus strand). Cytogenetic location: 14q32.13.
Variant type: single nucleotide variant.
Coding change: c.3811C>T on transcript NM_177438.3 (MANE Select); coding-DNA position 3811, C replaced by T.
Protein change: p.Leu1271Phe; replaces leucine 1271 with phenylalanine.
Molecular consequence: missense variant.
Genome position (GRCh38, 1-based): chr14:95,103,585, G>A on the plus strand (C>T on the coding strand, the complement: DICER1 is on the minus strand). VCF-style: chr14-95103585-G-A. GRCh37 (hg19) VCF-style: chr14-95569922-G-A.
Other names: NM_177438.3(DICER1):c.3811C>T; p.Leu1271Phe; c.3811C>T, p.Leu1271Phe (NM_001195573.1, NM_001271282.3, NM_001291628.2 and 1 more transcripts); short protein forms L1271F.
Identifiers: ClinVar variation 579305 (VCV000579305.22), dbSNP rs1249975103, ClinGen allele CA390873396.

ClinVar aggregate classification (germline): Likely benign. Review status: reviewed by expert panel (3 of 4 stars). 7 submissions from 7 submitters: Likely benign (1). 6 of the submissions do not count toward it. Last evaluated 2026-01-06.

Conditions:
DICER1-related tumor predisposition. Also called: DICER1 syndrome; DICER1-related pleuropulmonary blastoma cancer predisposition syndrome. Identifiers: Orphanet 284343, MedGen C3839822, MONDO:0100216.
Hereditary cancer-predisposing syndrome. Also called: Hereditary neoplastic syndrome; Hereditary Cancer Syndrome; Neoplastic Syndromes, Hereditary; Tumor predisposition. Identifiers: Orphanet 140162, MedGen C0027672, MeSH D009386, MONDO:0015356.

Allele frequency attached by ClinVar (database versions not stated): gnomAD exomes below 0.00001 and 0.00001; gnomAD 0.00003 and 0.00004; TOPMed 0.00003.
gnomAD v4.1: 17 of 1,614,078 alleles (0.0011%); highest among the groups gnomAD compares: Middle Eastern, 0.12%; no homozygotes.

Submissions (7):

ClinGen DICER1 and miRNA-Processing Gene Variant Curation Expert Panel, ClinGen
Classification: Likely benign for DICER1-related tumor predisposition. Last evaluated: 2026-01-06. Review status: reviewed by expert panel. Criteria: ClinGen DICER1 ACMG Specifications DICER1 V1.4.0. Collection method: curation. Allele origin: germline. Inheritance: Autosomal dominant inheritance.
Comment: The NM_177438.3:c.3811C>T variant in DICER1 is a missense variant predicted to cause substitution of leucine by phenylalanine at amino acid 1271 (p.Leu1271Phe). Although this variant has been observed in individuals undergoing genetic sequencing, to our knowledge, this variant has not been reported in individuals with DICER1-related tumor predisposition (PS4 not met; Internal lab contributors, PMID: 26580448, 28202063). This variant has been seen in 10 or more unrelated females without tumors through age 50 in at least one testing laboratory (BS2_Supporting; Internal lab contributors). The highest population minor allele frequency in gnomAD v4.1.0 is 0.001151 (7/6084 alleles) in the Middle Eastern population, which is higher than the ClinGen DICER1 VCEP threshold (>0.0003) for BS1, and therefore meets this criterion (BS1). In silico tools predict no damaging impact of the variant on protein function (REVEL: 0.057; MaxEntScan and SpliceAI: no effect on splicing) (BP4). In summary, this variant meets the criteria to be classified as Likely Benign for DICER1 syndrome based on the ACMG/AMP criteria applied, as specified by the ClinGen DICER1 VCEP: BS1, BS2_Supporting, BP4. (Bayesian Points: -6; VCEP specifications version 1.4.0; 01/06/2026).

Ambry Genetics
Classification: Likely benign for Hereditary cancer-predisposing syndrome. Last evaluated: 2026-06-09. Review status: criteria provided, single submitter. Criteria: Ambry Variant Classification Scheme 2023. Collection method: clinical testing. Allele origin: germline. Not counted in ClinVar's aggregate classification.

Labcorp Genetics (formerly Invitae), Labcorp
Classification: Uncertain significance for DICER1-related tumor predisposition. Last evaluated: 2025-12-28. Review status: criteria provided, single submitter. Criteria: Invitae Variant Classification Sherloc (09022015). Collection method: clinical testing. Allele origin: germline. Not counted in ClinVar's aggregate classification.
Comment: This sequence change replaces leucine, which is neutral and non-polar, with phenylalanine, which is neutral and non-polar, at codon 1271 of the DICER1 protein (p.Leu1271Phe). This variant is present in population databases (no rsID available, gnomAD 0.008%). This variant has not been reported in the literature in individuals affected with DICER1-related conditions. ClinVar contains an entry for this variant (Variation ID: 579305). Invitae Evidence Modeling of protein sequence and biophysical properties (such as structural, functional, and spatial information, amino acid conservation, physicochemical variation, residue mobility, and thermodynamic stability) indicates that this missense variant is not expected to disrupt DICER1 protein function with a negative predictive value of 95%. In summary, the available evidence is currently insufficient to determine the role of this variant in disease. Therefore, it has been classified as a Variant of Uncertain Significance.

Quest Diagnostics Nichols Institute San Juan Capistrano
Classification: Uncertain significance. Last evaluated: 2025-10-01. Review status: criteria provided, single submitter. Criteria: Quest Diagnostics criteria. Collection method: clinical testing. Allele origin: unknown. Not counted in ClinVar's aggregate classification.
Comment: The DICER1 c.3811C>T (p.Leu1271Phe) variant has been reported in the published literature in individuals with breast cancer (PMID: 28202063 (2017)), and neuroblastoma (PMID: 26580448 (2015)). The frequency of this variant in the general population (Genome Aggregation Database) is uninformative in the assessment of its pathogenicity. Analysis of this variant using bioinformatics tools for the prediction of the effect of amino acid changes on protein structure and function yielded predictions that this variant is benign. Based on the available information, we are unable to determine the clinical significance of this variant.

Blueprint Genetics
Classification: Uncertain significance. Last evaluated: 2024-07-18. Review status: criteria provided, single submitter. Criteria: ACMG Guidelines, 2015. Collection method: clinical testing. Allele origin: germline. Not counted in ClinVar's aggregate classification.

GeneDx
Classification: Uncertain significance. Last evaluated: 2023-11-21. Review status: criteria provided, single submitter. Criteria: GeneDx Variant Classification Process June 2021. Collection method: clinical testing. Allele origin: germline. Not counted in ClinVar's aggregate classification.
Comment: Not observed at significant frequency in large population cohorts (gnomAD); In silico analysis supports that this missense variant does not alter protein structure/function; Observed in a patient with familial breast cancer and in a pediatric patient with neuroblastoma (PMID: 28202063, 26580448); This variant is associated with the following publications: (PMID: 26580448, 28202063)

Sema4
Classification: Uncertain significance for Hereditary cancer-predisposing syndrome. Last evaluated: 2021-10-07. Review status: criteria provided, single submitter. Criteria: Sema4 Curation Guidelines. Collection method: curation. Allele origin: germline. Not counted in ClinVar's aggregate classification.
Comment: The DICER1 c.3811C>T (p.L1271F) variant has not been reported in the literature to our knowledge. It was observed in 2/24968 chromosomes of the African/African American subpopulation in the large and broad cohorts of the Genome Aggregation Database (PMID: 32461654). The variant has been reported in ClinVar (Variation ID: 579305). In silico tools suggest the impact of the variant on protein function is benign, though these predictions have not been confirmed by functional studies. The evidence is insufficient to meet ACMG/AMP criteria for classifying the variant as benign or pathogenic. Thus, the clinical significance of this variant is currently uncertain.

Literature cited by the submitters: PubMed 26580448 (cited by Ambry Genetics and Quest Diagnostics Nichols Institute San Juan Capistrano); PubMed 28202063 (cited by Ambry Genetics and Quest Diagnostics Nichols Institute San Juan Capistrano).